The following is an entry in ClinVar:

ClinVar aggregate classification (germline): Likely benign (1 of 4 stars; one submission).

Allele frequency attached by ClinVar (database versions not stated): 1000 Genomes Project 0.00280; 1000 Genomes Project 30x 0.00281; TOPMed 0.00561.

Submission:

GeneDx
Classification: Likely benign. Last evaluated: 2018-06-19. Review status: criteria provided, single submitter. Criteria: GeneDx Variant Classification (06012015). Collection method: clinical testing. Allele origin: germline. Affected: yes.
Comment: This variant is considered likely benign or benign based on one or more of the following criteria: it is a conservative change, it occurs at a poorly conserved position in the protein, it is predicted to be benign by multiple in silico algorithms, and/or has population frequency not consistent with disease.

NM_006393.3(NEBL):c.685-305T>A

Gene: NEBL (nebulette; minus strand). Cytogenetic location: 10p12.31.
Variant type: single nucleotide variant.
Coding change: c.685-305T>A on transcript NM_006393.3 (MANE Select); 305 bases into the intron before coding-DNA position 685, T replaced by A.
Molecular consequence: intron variant.
Genome position (GRCh38, 1-based): chr10:20,860,131, A>T on the plus strand (T>A on the coding strand, the complement: NEBL is on the minus strand). VCF-style: chr10-20860131-A-T. GRCh37 (hg19) VCF-style: chr10-21149060-A-T.
Other names: c.250-47191T>A (NM_001377326.1, NM_001377327.1, NM_001377328.1); c.358-47191T>A (NM_213569.2, NM_001173484.2, NM_001377322.1); c.301-47191T>A (NM_001377324.1); c.292-47191T>A (NM_001377325.1); c.310-47191T>A (NM_001377323.1).
Identifiers: ClinVar variation 671857 (VCV000671857.1), dbSNP rs71541567, ClinGen allele CA204194757.
Genomic context (GRCh38, chr10:20,860,131, plus strand): 5'-GCACTAAAATACCAACATTTTTAAATGTCAGTTTTCATTTCTGCATTTCTATAATCTATG[A>T]TCAGTTAGAAACCTAGACCACAAATGTCTTAAGGTCTAACACATTTAGAAAATAGATTCT-3'